The following is an entry in ClinVar:

NM_000512.5(GALNS):c.213C>A (p.Asn71Lys)

Gene: GALNS (galactosamine (N-acetyl)-6-sulfatase; minus strand). Cytogenetic location: 16q24.3.
Variant type: single nucleotide variant.
Coding change: c.213C>A on transcript NM_000512.5 (MANE Select); coding-DNA position 213, C replaced by A.
Protein change: p.Asn71Lys; replaces asparagine 71 with lysine.
Molecular consequence: missense variant. On other transcripts: intron variant (1).
Genome position (GRCh38, 1-based): chr16:88,842,737, G>T on the plus strand (C>A on the coding strand, the complement: GALNS is on the minus strand). VCF-style: chr16-88842737-G-T. GRCh37 (hg19) VCF-style: chr16-88909145-G-T.
Other names: c.231C>A, p.Asn77Lys (NM_001323544.2); c.-311-766C>A (NM_001323543.2); short protein forms N71K, N77K.
Identifiers: ClinVar variation 3637122 (VCV003637122.2).
Genomic context (GRCh38, chr16:88,842,737, plus strand): 5'-TCCTGGGGGCGAGGGCCCCGCTGACTTACATGGCGAGCACAGAGGGTTGGCAGAATAGAA[G>T]TTTGGGAAAAGCAGCCCTTCTGCAGCCATCCGGTCCAAATTCGGGGTCTCTCTGGAGGGC-3'
Protein context (NP_000503.1, residues 61-81): RMAAEGLLFP[Asn71Lys]FYSANPLCSP

ClinVar aggregate classification (germline): Uncertain significance (1 of 4 stars; one submission).

Conditions:
Mucopolysaccharidosis, MPS-IV-A (MPS4A). Also called: Morquio syndrome A, mild; MORQUIO SYNDROME A; GALACTOSAMINE-6-SULFATASE DEFICIENCY; GALNS DEFICIENCY; MORQUIO A DISEASE; Mucopolysaccharidosis type IV A. Identifiers: Orphanet 309297, Orphanet 582, MedGen C0086651, MONDO:0009659, OMIM 253000.

Submission:

Labcorp Genetics (formerly Invitae), Labcorp
Classification: Uncertain significance for Mucopolysaccharidosis, MPS-IV-A. Last evaluated: 2024-02-07. Review status: criteria provided, single submitter. Criteria: Invitae Variant Classification Sherloc (09022015). Collection method: clinical testing. Allele origin: germline.
Comment: This sequence change replaces asparagine, which is neutral and polar, with lysine, which is basic and polar, at codon 71 of the GALNS protein (p.Asn71Lys). This variant is not present in population databases (gnomAD no frequency). This variant has not been reported in the literature in individuals affected with GALNS-related conditions. Advanced modeling of protein sequence and biophysical properties (such as structural, functional, and spatial information, amino acid conservation, physicochemical variation, residue mobility, and thermodynamic stability) has been performed at Invitae for this missense variant, however the output from this modeling did not meet the statistical confidence thresholds required to predict the impact of this variant on GALNS protein function. In summary, the available evidence is currently insufficient to determine the role of this variant in disease. Therefore, it has been classified as a Variant of Uncertain Significance.